The following is an entry in ClinVar:

ClinVar aggregate classification (germline): Pathogenic/Likely pathogenic. Review status: criteria provided, multiple submitters, no conflicts (2 of 4 stars). 3 submissions from 3 submitters: Pathogenic (2); Likely pathogenic (1). Last evaluated 2026-08-07.

Conditions:
Arrhythmogenic right ventricular dysplasia 10. Also called: Arrhythmogenic Right Ventricular Dysplasia/Cardiomyopathy10; ARRHYTHMOGENIC RIGHT VENTRICULAR DYSPLASIA, FAMILIAL, 10; Arrhythmogenic right ventricular dysplasia/cardiomyopathy, type 10. Identifiers: MedGen C1857777, MONDO:0012434, OMIM 610193.
Cardiovascular phenotype. Identifiers: MedGen CN230736.

Submissions (3):

Ambry Genetics
Classification: Pathogenic for Cardiovascular phenotype. Last evaluated: 2026-08-07. Review status: criteria provided, single submitter. Criteria: Ambry Variant Classification Scheme 2023. Collection method: clinical testing. Allele origin: germline.
Comment: The p.W657* pathogenic mutation (also known as c.1971G>A), located in coding exon 13 of the DSG2 gene, results from a G to A substitution at nucleotide position 1971. This changes the amino acid from a tryptophan to a stop codon within coding exon 13. This variant is considered to be rare based on population cohorts in the Genome Aggregation Database (gnomAD). This alteration is expected to result in loss of function by premature protein truncation or nonsense-mediated mRNA decay. As such, this alteration is interpreted as a disease-causing mutation.

GeneDx
Classification: Likely pathogenic. Last evaluated: 2024-09-04. Review status: criteria provided, single submitter. Criteria: GeneDx Variant Classification Process June 2021. Collection method: clinical testing. Allele origin: germline. Affected: yes.
Comment: Reported as an ACMG secondary finding in a cohort of individuals who underwent whole exome sequencing, but detailed clinical information was not provided (PMID: 37728764); Nonsense variant predicted to result in protein truncation or nonsense mediated decay in a gene for which loss of function is a known mechanism of disease; Not observed at significant frequency in large population cohorts (gnomAD); This variant is associated with the following publications: (PMID: 37728764)

Labcorp Genetics (formerly Invitae), Labcorp
Classification: Pathogenic for Arrhythmogenic right ventricular dysplasia 10. Last evaluated: 2024-04-12. Review status: criteria provided, single submitter. Criteria: Invitae Variant Classification Sherloc (09022015). Collection method: clinical testing. Allele origin: germline.
Comment: This sequence change creates a premature translational stop signal (p.Trp657*) in the DSG2 gene. It is expected to result in an absent or disrupted protein product. Loss-of-function variants in DSG2 are known to be pathogenic (PMID: 17105751, 31386562). This variant is not present in population databases (gnomAD no frequency). This variant has not been reported in the literature in individuals affected with DSG2-related conditions. For these reasons, this variant has been classified as Pathogenic.

Literature cited by the submitters: PubMed 17105751 (cited by Labcorp Genetics (formerly Invitae), Labcorp); PubMed 31386562 (cited by Labcorp Genetics (formerly Invitae), Labcorp).

NM_001943.5(DSG2):c.1971G>A (p.Trp657Ter)

Gene: DSG2 (desmoglein 2; plus strand). Cytogenetic location: 18q12.1.
Variant type: single nucleotide variant.
Coding change: c.1971G>A on transcript NM_001943.5 (MANE Select); coding-DNA position 1971, G replaced by A.
Protein change: p.Trp657Ter; replaces tryptophan 657 with a stop codon.
Molecular consequence: nonsense.
Genome position (GRCh38, 1-based): chr18:31,541,284, G>A. VCF-style: chr18-31541284-G-A. GRCh37 (hg19) VCF-style: chr18-29121247-G-A.
Other names: short protein forms W657*.
Identifiers: ClinVar variation 3632790 (VCV003632790.4).
Genomic context (GRCh38, chr18:31,541,284, plus strand): 5'-CGGAAAGGGCGCCAAAGGCTTTACCCCCATACCTGGCACCATAGAGATGCTGCATCCTTG[G>A]AATAATGAAGGAGCACCACCTGAAGACAAGGTCAGTGGATCAGATGTCAATATGACTTGT-3'